The following is an entry in ClinVar:

NM_000548.5(TSC2):c.3413G>A (p.Arg1138Gln)

Gene: TSC2 (TSC complex subunit 2; plus strand). Cytogenetic location: 16p13.3.
Variant type: single nucleotide variant.
Coding change: c.3413G>A on transcript NM_000548.5 (MANE Select); coding-DNA position 3413, G replaced by A.
Protein change: p.Arg1138Gln; replaces arginine 1138 with glutamine.
Molecular consequence: missense variant.
Genome position (GRCh38, 1-based): chr16:2,080,180, G>A. VCF-style: chr16-2080180-G-A. GRCh37 (hg19) VCF-style: chr16-2130181-G-A.
Other names: c.3281G>A, p.Arg1094Gln (NM_001077183.3, NM_001370404.1); c.3413G>A, p.Arg1138Gln (NM_001114382.3); c.3173G>A, p.Arg1058Gln (NM_001318827.2); c.3137G>A, p.Arg1046Gln (NM_001318829.2); c.2681G>A, p.Arg894Gln (NM_001318831.2); c.3314G>A, p.Arg1105Gln (NM_001318832.2); c.3284G>A, p.Arg1095Gln (NM_001363528.2, NM_001370405.1, NM_021055.3); short protein forms R1138Q, R1046Q, R1094Q, R1105Q, R894Q, R1058Q, R1095Q.
Identifiers: ClinVar variation 135381 (VCV000135381.19), dbSNP rs143168379, ClinGen allele CA019131.
Genomic context (GRCh38, chr16:2,080,180, plus strand): 5'-GCATCAGGTAAGTGGTGGTCACCAGTCCTCTGCCCTCTTCTTCAGGGGGCCATGGTCTTC[G>A]AGTTGGCGCCCTGGACGTGCCGGCCTCCCAGTTCCTGGGCAGTGCCACTTCTCCAGGACC-3'
Protein context (NP_000539.2, residues 1128-1148): VRSMSGGHGL[Arg1138Gln]VGALDVPASQ

ClinVar aggregate classification (germline): Benign/Likely benign. Review status: criteria provided, multiple submitters, no conflicts (2 of 4 stars). 7 submissions from 7 submitters: Benign (3); Likely benign (3). 1 of the submissions does not count toward it. Last evaluated 2026-01-12.

Conditions:
Hereditary cancer-predisposing syndrome. Also called: Tumor predisposition; Hereditary neoplastic syndrome; Neoplastic Syndromes, Hereditary; Hereditary Cancer Syndrome. Identifiers: Orphanet 140162, MedGen C0027672, MeSH D009386, MONDO:0015356.
Tuberous sclerosis syndrome (TSC). Also called: Tuberous sclerosis; Tuberous Sclerosis Complex. Identifiers: Orphanet 805, MedGen C0041341, MONDO:0001734.
Tuberous sclerosis 2 (TSC2). Identifiers: Orphanet 805, MedGen C1860707, MONDO:0013199, OMIM 613254.

Allele frequency attached by ClinVar (database versions not stated): TOPMed 0.00002; gnomAD 0.00003 and 0.00004; gnomAD exomes 0.00005 and 0.00008; ESP Exome Variant Server 0.00008; ExAC 0.00011.

Submissions (7):

Labcorp Genetics (formerly Invitae), Labcorp
Classification: Benign for Tuberous sclerosis 2. Last evaluated: 2026-01-12. Review status: criteria provided, single submitter. Criteria: Invitae Variant Classification Sherloc (09022015). Collection method: clinical testing. Allele origin: germline.

Myriad Genetics, Inc.
Classification: Likely benign for Tuberous sclerosis 2. Last evaluated: 2024-08-15. Review status: criteria provided, single submitter. Criteria: Myriad Autosomal Dominant, Autosomal Recessive and X-Linked Classification Criteria (2023). Collection method: clinical testing. Allele origin: unknown.
Comment: This variant is considered likely benign. This variant has been observed at a population frequency that is significantly greater than expected given the associated disease prevalence and penetrance.

Color Diagnostics, LLC DBA Color Health
Classification: Likely benign for Tuberous sclerosis syndrome. Last evaluated: 2022-10-02. Review status: criteria provided, single submitter. Criteria: ACMG Guidelines, 2015. Collection method: clinical testing. Allele origin: germline.

Ambry Genetics
Classification: Benign for Hereditary cancer-predisposing syndrome. Last evaluated: 2022-06-09. Review status: criteria provided, single submitter. Criteria: Ambry Variant Classification Scheme 2023. Collection method: clinical testing. Allele origin: germline.

Genome-Nilou Lab
Classification: Benign for Tuberous sclerosis 2. Last evaluated: 2021-11-07. Review status: criteria provided, single submitter. Criteria: ACMG Guidelines, 2015. Collection method: clinical testing. Allele origin: germline. Affected: no.

GeneDx
Classification: Likely benign. Last evaluated: 2021-04-29. Review status: criteria provided, single submitter. Criteria: GeneDx Variant Classification Process June 2021. Collection method: clinical testing. Allele origin: germline. Affected: yes.
Comment: This variant is associated with the following publications: (PMID: 24728327)

ITMI
No classification provided. Condition: AllHighlyPenetrant. Last evaluated: 2013-09-19. Review status: no classification provided. Collection method: reference population. Allele origin: germline. Not counted in ClinVar's aggregate classification.
Comment: Please see associated publication for description of ethnicities

Literature cited by the submitters: PubMed 24728327 (cited by ITMI).